The following is an entry in ClinVar:

ClinVar aggregate classification (germline): Uncertain significance (1 of 4 stars; one submission).

Conditions:
Atrioventricular septal defect 4 (AVSD4). Identifiers: MedGen C3280781, MONDO:0013747, OMIM 614430.

gnomAD v4.1: 1 of 1,278,834 alleles (0.000078%); highest among the groups gnomAD compares: Non-Finnish European, 0.000098%; no homozygotes.

Submission:

Labcorp Genetics (formerly Invitae), Labcorp
Classification: Uncertain significance for Atrioventricular septal defect 4. Last evaluated: 2025-06-11. Review status: criteria provided, single submitter. Criteria: Invitae Variant Classification Sherloc (09022015). Collection method: clinical testing. Allele origin: germline.
Comment: This sequence change replaces alanine, which is neutral and non-polar, with valine, which is neutral and non-polar, at codon 125 of the GATA4 protein (p.Ala125Val). This variant is not present in population databases (gnomAD no frequency). This variant has not been reported in the literature in individuals affected with GATA4-related conditions. Invitae Evidence Modeling of protein sequence and biophysical properties (such as structural, functional, and spatial information, amino acid conservation, physicochemical variation, residue mobility, and thermodynamic stability) indicates that this missense variant is not expected to disrupt GATA4 protein function with a negative predictive value of 95%. In summary, the available evidence is currently insufficient to determine the role of this variant in disease. Therefore, it has been classified as a Variant of Uncertain Significance.

NM_001308093.3(GATA4):c.374C>T (p.Ala125Val)

Gene: GATA4 (GATA binding protein 4). Cytogenetic location: 8p23.1.
Variant type: single nucleotide variant.
Coding change: c.374C>T on transcript NM_001308093.3 (MANE Select); coding-DNA position 374, C replaced by T.
Protein change: p.Ala125Val; replaces alanine 125 with valine.
Molecular consequence: missense variant. On other transcripts: intron variant (3).
Genome position (GRCh38, 1-based): chr8:11,708,686, C>T. VCF-style: chr8-11708686-C-T. GRCh37 (hg19) VCF-style: chr8-11566195-C-T.
Other names: c.374C>T, p.Ala125Val (NM_002052.5); c.-6+7908C>T (NM_001308094.2); c.-3+672C>T (NM_001374274.1); c.-3+4382C>T (NM_001374273.1); short protein forms A125V.
Identifiers: ClinVar variation 4798453 (VCV004798453.1).